The following is an entry in ClinVar:

ClinVar aggregate classification (germline): Conflicting classifications of pathogenicity. Review status: criteria provided, conflicting classifications (1 of 4 stars). 3 submissions from 3 submitters: Uncertain significance (2); Likely benign (1). Last evaluated 2023-03-23.

Conditions:
Hereditary breast ovarian cancer syndrome. Also called: Breast and ovarian cancer; Hereditary breast and ovarian cancer; Hereditary breast and/or ovarian cancer syndrome; BRCA1- and BRCA2-Associated Hereditary Breast and Ovarian Cancer; Hereditary breast and ovarian cancer syndrome; Hereditary breast and ovarian cancer syndrome (HBOC). Identifiers: Orphanet 145, MedGen C0677776, MeSH D061325, MONDO:0003582. Disease mechanism: loss of function.
Hereditary cancer-predisposing syndrome. Also called: Tumor predisposition; Hereditary neoplastic syndrome; Neoplastic Syndromes, Hereditary; Hereditary Cancer Syndrome. Identifiers: Orphanet 140162, MedGen C0027672, MeSH D009386, MONDO:0015356.

Submissions (3):

University of Washington Department of Laboratory Medicine, University of Washington
Classification: Likely benign for Hereditary cancer-predisposing syndrome. Last evaluated: 2023-03-23. Review status: criteria provided, single submitter. Criteria: Dines et al. (Genet Med. 2020). Collection method: curation. Allele origin: germline.
Comment: Missense variant in a coldspot region where missense variants are very unlikely to be pathogenic (PMID:31911673).

BRCA1 coldspot (exon 11 using historical exon numbering). Reclassification based on statistical prior probability

Ambry Genetics
Classification: Uncertain significance for Hereditary cancer-predisposing syndrome. Last evaluated: 2022-04-22. Review status: criteria provided, single submitter. Criteria: Ambry Variant Classification Scheme 2023. Collection method: clinical testing. Allele origin: germline.
Comment: The p.L596P variant (also known as c.1787T>C), located in coding exon 9 of the BRCA1 gene, results from a T to C substitution at nucleotide position 1787. The leucine at codon 596 is replaced by proline, an amino acid with similar properties. This amino acid position is conserved. In addition, the in silico prediction for this alteration is inconclusive. Since supporting evidence is limited at this time, the clinical significance of this alteration remains unclear.

Labcorp Genetics (formerly Invitae), Labcorp
Classification: Uncertain significance for Hereditary breast ovarian cancer syndrome. Last evaluated: 2019-11-17. Review status: criteria provided, single submitter. Criteria: Invitae Variant Classification Sherloc (09022015). Collection method: clinical testing. Allele origin: germline.
Comment: In summary, the available evidence is currently insufficient to determine the role of this variant in disease. Therefore, it has been classified as a Variant of Uncertain Significance. Algorithms developed to predict the effect of missense changes on protein structure and function are either unavailable or do not agree on the potential impact of this missense change (SIFT: "Tolerated"; PolyPhen-2: "Probably Damaging"; Align-GVGD: "Class C0"). This variant has not been reported in the literature in individuals with BRCA1-related disease. This variant is not present in population databases (ExAC no frequency). This sequence change replaces leucine with proline at codon 596 of the BRCA1 protein (p.Leu596Pro). The leucine residue is moderately conserved and there is a moderate physicochemical difference between leucine and proline.

NM_007294.4(BRCA1):c.1787T>C (p.Leu596Pro)

Gene: BRCA1 (BRCA1 DNA repair associated; minus strand). Cytogenetic location: 17q21.31.
Variant type: single nucleotide variant.
Coding change: c.1787T>C on transcript NM_007294.4 (MANE Select); coding-DNA position 1787, T replaced by C.
Protein change: p.Leu596Pro; replaces leucine 596 with proline.
Molecular consequence: missense variant. On other transcripts: intron variant (137).
Genome position (GRCh38, 1-based): chr17:43,093,744, A>G on the plus strand (T>C on the coding strand, the complement: BRCA1 is on the minus strand). VCF-style: chr17-43093744-A-G. GRCh37 (hg19) VCF-style: chr17-41245761-A-G.
Other names: c.784+1000T>C (NM_001408399.1, NM_001407984.1, NM_001408398.1 and 13 more transcripts); c.664+1000T>C (NM_001408443.1, NM_001408439.1, NM_001408425.1 and 12 more transcripts); c.670+2102T>C (NM_001408419.1, NM_001408422.1, NM_001408418.1 and 2 more transcripts); c.787+1000T>C (NM_001408403.1, NM_001407983.1, NM_001407975.1 and 19 more transcripts); c.790+997T>C (NM_001408406.1); c.646+1000T>C (NM_001408456.1, NM_001408410.1, NM_001408458.1 and 11 more transcripts); c.643+1000T>C (NM_001408465.1, NM_001408463.1, NM_001408462.1 and 3 more transcripts); c.577+1000T>C (NM_001408482.1, NM_001408484.1, NM_001408478.1 and 9 more transcripts); and 40 more; short protein forms L549P, L596P, L300P, L428P, L507P, L526P, L528P, L548P.
Identifiers: ClinVar variation 846451 (VCV000846451.15), dbSNP rs2053883873, ClinGen allele CA10598445.
Genomic context (GRCh38, chr17:43,093,744, plus strand): 5'-GAAGACTTCCTCCTCAGCCTATTCTTTTTAGGTGCTTTTGAATTGTGGATATTTAATTCG[A>G]GTTCCATATTGCTTATACTGCTGCTTATAGGTTCAGCTTTCGTTTTGAAAGCAGATTCTT-3'
Protein context (NP_009225.1, residues 586-606): PISSSISNME[Leu596Pro]ELNIHNSKAP